The following is an entry in ClinVar:

NM_014629.4(ARHGEF10):c.2611-3T>C

Gene: ARHGEF10 (Rho guanine nucleotide exchange factor 10; plus strand). Cytogenetic location: 8p23.3.
Variant type: single nucleotide variant.
Coding change: c.2611-3T>C on transcript NM_014629.4 (MANE Select); 3 bases into the intron before coding-DNA position 2611, T replaced by C.
Molecular consequence: intron variant.
Genome position (GRCh38, 1-based): chr8:1,926,374, T>C. VCF-style: chr8-1926374-T-C. GRCh37 (hg19) VCF-style: chr8-1874540-T-C.
Other names: c.2494-3T>C (NM_001438092.1, NM_001438093.1); c.2614-3T>C (NM_001438091.1); c.2497-3T>C (NM_001308152.2, NM_001438094.1); c.2611-3T>C (NM_001308153.3).
Identifiers: ClinVar variation 2784288 (VCV002784288.3), dbSNP rs754612259, ClinGen allele CA4600974.

ClinVar aggregate classification (germline): Uncertain significance (1 of 4 stars; one submission).

Allele frequency attached by ClinVar (database versions not stated): ExAC 0.00001.

Submission:

Labcorp Genetics (formerly Invitae), Labcorp
Classification: Uncertain significance. Last evaluated: 2023-07-07. Review status: criteria provided, single submitter. Criteria: Invitae Variant Classification Sherloc (09022015). Collection method: clinical testing. Allele origin: germline.
Comment: In summary, the available evidence is currently insufficient to determine the role of this variant in disease. Therefore, it has been classified as a Variant of Uncertain Significance. Variants that disrupt the consensus splice site are a relatively common cause of aberrant splicing (PMID: 17576681, 9536098). Algorithms developed to predict the effect of sequence changes on RNA splicing suggest that this variant is not likely to affect RNA splicing. This variant has not been reported in the literature in individuals affected with ARHGEF10-related conditions. This variant is present in population databases (rs754612259, gnomAD 0.0009%). This sequence change falls in intron 22 of the ARHGEF10 gene. It does not directly change the encoded amino acid sequence of the ARHGEF10 protein. It affects a nucleotide within the consensus splice site.

Literature cited by the submitters: PubMed 17576681; PubMed 9536098.